The following is an entry in ClinVar:

NM_001006658.3(CR2):c.1937C>T (p.Ala646Val)

Gene: CR2 (complement C3d receptor 2; plus strand). Cytogenetic location: 1q32.2.
Variant type: single nucleotide variant.
Coding change: c.1937C>T on transcript NM_001006658.3 (MANE Select); coding-DNA position 1937, C replaced by T.
Protein change: p.Ala646Val; replaces alanine 646 with valine.
Molecular consequence: missense variant.
Genome position (GRCh38, 1-based): chr1:207,473,138, C>T. VCF-style: chr1-207473138-C-T. GRCh37 (hg19) VCF-style: chr1-207646483-C-T.
Other names: c.1937C>T, p.Ala646Val (NM_001877.5); short protein forms A646V.
Identifiers: ClinVar variation 1523264 (VCV001523264.8), dbSNP rs1473516032, ClinGen allele CA344535405.

ClinVar aggregate classification (germline): Uncertain significance (1 of 4 stars; one submission).

Conditions:
Immunodeficiency, common variable, 7. Identifiers: Orphanet 1572, Orphanet 696894, MedGen C3542922, MONDO:0013862, OMIM 614699.

Allele frequency attached by ClinVar (database versions not stated): gnomAD exomes below 0.00001; gnomAD 0.00001.

Submission:

Labcorp Genetics (formerly Invitae), Labcorp
Classification: Uncertain significance for Immunodeficiency, common variable, 7. Last evaluated: 2022-07-25. Review status: criteria provided, single submitter. Criteria: Invitae Variant Classification Sherloc (09022015). Collection method: clinical testing. Allele origin: germline.
Comment: This sequence change replaces alanine, which is neutral and non-polar, with valine, which is neutral and non-polar, at codon 646 of the CR2 protein (p.Ala646Val). This variant is not present in population databases (gnomAD no frequency). This variant has not been reported in the literature in individuals affected with CR2-related conditions. ClinVar contains an entry for this variant (Variation ID: 1523264). Algorithms developed to predict the effect of missense changes on protein structure and function are either unavailable or do not agree on the potential impact of this missense change (SIFT: "Tolerated"; PolyPhen-2: "Probably Damaging"; Align-GVGD: "Class C0"). In summary, the available evidence is currently insufficient to determine the role of this variant in disease. Therefore, it has been classified as a Variant of Uncertain Significance.